The following is an entry in ClinVar:

NM_023110.3(FGFR1):c.1363C>T (p.Pro455Ser)

Gene: FGFR1 (fibroblast growth factor receptor 1; minus strand). Cytogenetic location: 8p11.23.
Variant type: single nucleotide variant.
Coding change: c.1363C>T on transcript NM_023110.3 (MANE Select); coding-DNA position 1363, C replaced by T.
Protein change: p.Pro455Ser; replaces proline 455 with serine.
Molecular consequence: missense variant.
Genome position (GRCh38, 1-based): chr8:38,418,295, G>A on the plus strand (C>T on the coding strand, the complement: FGFR1 is on the minus strand). VCF-style: chr8-38418295-G-A. GRCh37 (hg19) VCF-style: chr8-38275813-G-A.
Other names: c.1357C>T, p.Pro453Ser (NM_001174063.2, NM_001174065.2, NM_001354367.2 and 1 more transcripts); c.1333C>T, p.Pro445Ser (NM_001174064.2); c.1096C>T, p.Pro366Ser (NM_001174066.2, NM_023105.3); c.1456C>T, p.Pro486Ser (NM_001174067.2); c.1084C>T, p.Pro362Ser (NM_001354368.2); c.1351C>T, p.Pro451Ser (NM_001354369.2, NM_001410922.1); c.1090C>T, p.Pro364Ser (NM_001354370.2, NM_023106.3); short protein forms P453S, P362S, P445S, P451S, P486S, P364S, P366S, P455S.
Identifiers: ClinVar variation 4795803 (VCV004795803.1).

ClinVar aggregate classification (germline): Likely benign (1 of 4 stars; one submission).

Conditions:
Pfeiffer syndrome (ACS5). Also called: ACS V. Identifiers: Orphanet 710, MedGen C0220658, MONDO:0007043, OMIM 101600.

Submission:

Centre for Medical Genetics,  Mumbai
Classification: Likely benign for Pfeiffer syndrome. Last evaluated: 2026-02-16. Review status: criteria provided, single submitter. Criteria: ACMG Guidelines, 2015. Collection method: provider interpretation. Allele origin: germline. Inheritance: Autosomal dominant inheritance. Affected: no. Observed: 1 heterozygote.
Comment: The variant satisfies PM2 criteria; Extremely low frequency in gnomAD population databases. The variant satisfies PP2 criteria; Missense variant in a gene with low rate of benign missense mutations and for which missense mutation is a common mechanism of a disease However, the variant satisfies BS2 criteria.

Literature cited by the submitters: PubMed 7874169.